The following is an entry in ClinVar:

NM_000143.4(FH):c.682A>G (p.Ile228Val)

Gene: FH (fumarate hydratase; minus strand). Cytogenetic location: 1q43.
Variant type: single nucleotide variant.
Coding change: c.682A>G on transcript NM_000143.4 (MANE Select); coding-DNA position 682, A replaced by G.
Protein change: p.Ile228Val; replaces isoleucine 228 with valine.
Molecular consequence: missense variant.
Genome position (GRCh38, 1-based): chr1:241,508,659, T>C on the plus strand (A>G on the coding strand, the complement: FH is on the minus strand). VCF-style: chr1-241508659-T-C. GRCh37 (hg19) VCF-style: chr1-241671959-T-C.
Other names: short protein forms I228V.
Identifiers: ClinVar variation 4024814 (VCV004024814.1).

ClinVar aggregate classification (germline): Uncertain significance (1 of 4 stars; one submission).

Conditions:
Hereditary cancer-predisposing syndrome. Also called: Tumor predisposition; Hereditary neoplastic syndrome; Neoplastic Syndromes, Hereditary; Hereditary Cancer Syndrome. Identifiers: Orphanet 140162, MedGen C0027672, MeSH D009386, MONDO:0015356.

Submission:

Ambry Genetics
Classification: Uncertain significance for Hereditary cancer-predisposing syndrome. Last evaluated: 2025-05-15. Review status: criteria provided, single submitter. Criteria: Ambry Variant Classification Scheme 2023. Collection method: clinical testing. Allele origin: germline.
Comment: The p.I228V variant (also known as c.682A>G), located in coding exon 5 of the FH gene, results from an A to G substitution at nucleotide position 682. The isoleucine at codon 228 is replaced by valine, an amino acid with highly similar properties. This amino acid position is conserved. In addition, the in silico prediction for this alteration is inconclusive. Based on the available evidence, the clinical significance of this variant remains unclear.